The following is an entry in ClinVar:

NM_001035.3(RYR2):c.300C>A (p.Phe100Leu)

Gene: RYR2 (ryanodine receptor 2; plus strand). Cytogenetic location: 1q43.
Variant type: single nucleotide variant.
Coding change: c.300C>A on transcript NM_001035.3 (MANE Select); coding-DNA position 300, C replaced by A.
Protein change: p.Phe100Leu; replaces phenylalanine 100 with leucine.
Molecular consequence: missense variant.
Genome position (GRCh38, 1-based): chr1:237,364,363, C>A. VCF-style: chr1-237364363-C-A. GRCh37 (hg19) VCF-style: chr1-237527663-C-A.
Other names: short protein forms F100L.
Identifiers: ClinVar variation 1366767 (VCV001366767.9), dbSNP rs2149727101, ClinGen allele CA345654840.
Genomic context (GRCh38, chr1:237,364,363, plus strand): 5'-GTCTTTGAGATCGTGTCTATTTAATGTTTCCTCTCTTTTCCTTATGCCCCTACAGAAATT[C>A]ATGATGAAGGTAAGACATCTTAATATATATGCTATGTATATATATAGCAGATATATTACT-3'
Protein context (NP_001026.2, residues 90-110): EGQVDVEKWK[Phe100Leu]MMKTAQGGGH

ClinVar aggregate classification (germline): Uncertain significance. Review status: criteria provided, multiple submitters, no conflicts (2 of 4 stars). 2 submissions from 2 submitters: Uncertain significance (2). Last evaluated 2025-05-20.

Conditions:
Cardiomyopathy (CMYO). Also called: Cardiomyopathies. Identifiers: Orphanet 167848, MedGen C0878544, MONDO:0004994, HP:0001638. Inheritance: Various modes of inheritance.
Catecholaminergic polymorphic ventricular tachycardia 1. Also called: VENTRICULAR TACHYCARDIA, STRESS-INDUCED POLYMORPHIC 1; VENTRICULAR TACHYCARDIA, CATECHOLAMINERGIC POLYMORPHIC, 1, WITH OR WITHOUT ATRIAL DYSFUNCTION AND/OR DILATED CARDIOMYOPATHY; RYR2-Related Catecholaminergic Polymorphic Ventricular Tachycardia. Identifiers: Orphanet 3286, MedGen C1631597, MONDO:0011484, OMIM 604772.

gnomAD v4.1: 14 of 1,570,122 alleles (0.00089%); highest among the groups gnomAD compares: South Asian, 0.0023%; no homozygotes.

Submissions (2):

Color Diagnostics, LLC DBA Color Health
Classification: Uncertain significance for Cardiomyopathy. Last evaluated: 2025-05-20. Review status: criteria provided, single submitter. Criteria: ACMG Guidelines, 2015. Collection method: clinical testing. Allele origin: germline.
Comment: This missense variant replaces phenylalanine with leucine at codon 100 of the RYR2 protein. Computational prediction suggests that this variant may not impact protein structure and function. To our knowledge, functional studies have not been reported for this variant. This variant has not been reported in individuals affected with RYR2-related disorders in the literature. This variant has not been identified in the general population by the Genome Aggregation Database (gnomAD). The available evidence is insufficient to determine the role of this variant in disease conclusively. Therefore, this variant is classified as a Variant of Uncertain Significance.

Labcorp Genetics (formerly Invitae), Labcorp
Classification: Uncertain significance for Catecholaminergic polymorphic ventricular tachycardia 1. Last evaluated: 2021-01-25. Review status: criteria provided, single submitter. Criteria: Invitae Variant Classification Sherloc (09022015). Collection method: clinical testing. Allele origin: germline.
Comment: This sequence change replaces phenylalanine with leucine at codon 100 of the RYR2 protein (p.Phe100Leu). The phenylalanine residue is highly conserved and there is a small physicochemical difference between phenylalanine and leucine. This variant is not present in population databases (ExAC no frequency). In summary, the available evidence is currently insufficient to determine the role of this variant in disease. Therefore, it has been classified as a Variant of Uncertain Significance. Advanced modeling of protein sequence and biophysical properties (such as structural, functional, and spatial information, amino acid conservation, physicochemical variation, residue mobility, and thermodynamic stability) performed at Invitae indicates that this missense variant is not expected to disrupt RYR2 protein function. This variant has not been reported in the literature in individuals with RYR2-related conditions.